The following is an entry in ClinVar:

NM_001267550.2(TTN):c.101506T>A (p.Cys33836Ser)

Genes: TTN-AS1 (TTN antisense RNA 1; plus strand), TTN (titin; minus strand). Cytogenetic location: 2q31.2.
Variant type: single nucleotide variant.
Coding change: c.101506T>A on transcript NM_001267550.2 (MANE Select); coding-DNA position 101506, T replaced by A.
Protein change: p.Cys33836Ser; replaces cysteine 33836 with serine.
Molecular consequence: missense variant.
Genome position (GRCh38, 1-based): chr2:178,535,109, A>T on the plus strand (T>A on the coding strand, the complement: TTN is on the minus strand). VCF-style: chr2-178535109-A-T. GRCh37 (hg19) VCF-style: chr2-179399836-A-T.
Other names: p.C32195S:TGT>AGT; c.96583T>A, p.Cys32195Ser (NM_001256850.1); c.93802T>A, p.Cys31268Ser (NM_133378.4); c.74311T>A, p.Cys24771Ser (NM_003319.4); c.74686T>A, p.Cys24896Ser (NM_133432.3); c.74887T>A, p.Cys24963Ser (NM_133437.4); short protein forms C32195S, C33836S, C31268S, C24896S, C24963S, C24771S.
Identifiers: ClinVar variation 203063 (VCV000203063.24), dbSNP rs766439271, ClinGen allele CA311127.

ClinVar aggregate classification (germline): Conflicting classifications of pathogenicity. Review status: criteria provided, conflicting classifications (1 of 4 stars). 12 submissions from 12 submitters: Uncertain significance (7); Likely benign (5). Last evaluated 2026-09-21.

Conditions:
TTN-related disorder. Also called: TTN-related disorders; TTN-related condition; TTN-related disease.
Cardiovascular phenotype. Identifiers: MedGen CN230736.
Autosomal recessive limb-girdle muscular dystrophy type 2J (LGMDR10). Also called: Limb-girdle muscular dystrophy, type 2J; MUSCULAR DYSTROPHY, LIMB-GIRDLE, AUTOSOMAL RECESSIVE 10. Identifiers: Orphanet 140922, MedGen C1837342, MONDO:0012127, OMIM 608807.
Dilated cardiomyopathy 1G (CMD1G). Identifiers: Orphanet 154, MedGen C1858763, MONDO:0011400, OMIM 604145.

Allele frequency attached by ClinVar (database versions not stated): gnomAD 0.00005 and 0.00006; TOPMed 0.00007; gnomAD exomes 0.00010 and 0.00012; ExAC 0.00013.
gnomAD v4.1: 162 of 1,613,738 alleles (0.01%); highest among the groups gnomAD compares: Middle Eastern, 0.082%; no homozygotes.

Submissions (12):

Molecular Diagnostic Laboratory for Inherited Cardiovascular Disease, Montreal Heart Institute
Classification: Likely benign. Last evaluated: 2026-09-21. Review status: criteria provided, single submitter. Criteria: ACMG Guidelines, 2015. Collection method: clinical testing. Allele origin: germline. Affected: no.
Comment: BS1;BP1

CeGaT Center for Human Genetics Tuebingen
Classification: Uncertain significance. Last evaluated: 2026-07-01. Review status: criteria provided, single submitter. Criteria: CeGaT Center For Human Genetics Tuebingen Variant Classification Criteria Version 2. Collection method: clinical testing. Allele origin: germline. Affected: yes. Observed: 1 variant allele.
Comment: TTN: PM2

PreventionGenetics, part of Exact Sciences
Classification: Uncertain significance for TTN-related condition. Last evaluated: 2026-01-13. Review status: criteria provided, single submitter. Criteria: ACMG Guidelines, 2015. Collection method: clinical testing. Allele origin: germline.
Comment: The TTN c.101506T>A variant is predicted to result in the amino acid substitution p.Cys33836Ser. This variant has been reported in an individual with hypertrophic cardiomyopathy; however, this individual also carried a pathogenic MYBPC3 variant which could explain the clinical feature (described as p.Cys24771Ser in Table S10, Forleo et al. 2017. PubMed ID: 28750076). This variant is reported in 0.072% of alleles in individuals of South Asian descent in gnomAD. Although we suspect that this variant may be benign, at this time, the clinical significance of this variant is uncertain due to the absence of conclusive functional and genetic evidence.

Mayo Clinic Laboratories, Mayo Clinic
Classification: Uncertain significance. Last evaluated: 2025-10-22. Review status: criteria provided, single submitter. Criteria: ACMG Guidelines, 2015. Collection method: clinical testing. Allele origin: germline. Observed: 1 variant allele.

Women's Health and Genetics/Laboratory Corporation of America, LabCorp
Classification: Likely benign. Last evaluated: 2025-06-26. Review status: criteria provided, single submitter. Criteria: LabCorp Variant Classification Summary - May 2015. Collection method: clinical testing. Allele origin: germline.
Comment: Variant summary: TTN c.93802T>A (p.Cys31268Ser) results in a non-conservative amino acid change in the encoded protein sequence. Algorithms developed to predict the effect of missense changes on protein structure and function are either unavailable or do not agree on the potential impact of this missense change. The variant allele was found at a frequency of 0.00012 in 248546 control chromosomes, predominantly at a frequency of 0.00072 within the South Asian subpopulation in the gnomAD database. The observed variant frequency within South Asian control individuals in the gnomAD database is approximately 1.15 fold of the estimated maximal expected allele frequency for a pathogenic variant in TTN causing a TTN-related phenotype (0.00063). c.93802T>A, also known as c.74311T>A (p.Cys24771Ser), has been observed in at least one individual affected with non-obstructive hypertrophic cardiomyopathy, who had multiple co-occurences, including a pathogenic variant in a different gene that is known to be associated with hypertrophic cardiomyopathy (example: Forleo_2017). These report(s) do not provide unequivocal conclusions about association of the TTN variant with TTN-related disorders. To our knowledge, no experimental evidence demonstrating an impact on protein function has been reported. The following publication has been ascertained in the context of this evaluation (PMID: 28750076). ClinVar contains an entry for this variant (Variation ID: 203063). Based on the evidence outlined above, the variant was classified as likely benign.

Revvity Omics, Revvity
Classification: Uncertain significance. Last evaluated: 2024-12-16. Review status: criteria provided, single submitter. Criteria: ACMG Guidelines, 2015. Collection method: clinical testing. Allele origin: germline.

Blueprint Genetics
Classification: Likely benign. Last evaluated: 2024-09-08. Review status: criteria provided, single submitter. Criteria: ACMG Guidelines, 2015. Collection method: clinical testing. Allele origin: germline.

GeneDx
Classification: Likely benign. Last evaluated: 2021-04-01. Review status: criteria provided, single submitter. Criteria: GeneDx Variant Classification Process June 2021. Collection method: clinical testing. Allele origin: germline. Affected: yes.

Ambry Genetics
Classification: Likely benign for Cardiovascular phenotype. Last evaluated: 2019-10-24. Review status: criteria provided, single submitter. Criteria: Ambry Variant Classification Scheme 2023. Collection method: clinical testing. Allele origin: germline.

Eurofins Ntd Llc (ga)
Classification: Uncertain significance. Last evaluated: 2017-11-30. Review status: criteria provided, single submitter. Criteria: EGL Classification Definitions 2015. Collection method: clinical testing. Allele origin: germline. Observed: 3 variant alleles, 3 heterozygotes.

Labcorp Genetics (formerly Invitae), Labcorp
Classification: Uncertain significance for Dilated cardiomyopathy 1G; Autosomal recessive limb-girdle muscular dystrophy type 2J. Last evaluated: 2017-08-04. Review status: criteria provided, single submitter. Criteria: Invitae Variant Classification Sherloc (09022015). Collection method: clinical testing. Allele origin: germline.

Laboratory for Molecular Medicine, Mass General Brigham Personalized Medicine
Classification: Uncertain significance. Last evaluated: 2016-01-11. Review status: criteria provided, single submitter. Criteria: LMM Criteria. Collection method: clinical testing. Allele origin: germline. Observed: 1 variant allele.
Comment: The p.Cys31268Ser variant in TTN has not been previously reported in individuals with cardiomyopathy, but has been identified in 11/16510 South Asian and 5/6672 4 European chromosomes by the Exome Aggregation Consortium (ExAC; dbSNP rs766439271). Computational prediction tools and conserv ation analysis do not provide strong support for or against an impact to the pro tein. In summary, the clinical significance of the p.Cys31268Ser variant is unce rtain.

Literature cited by the submitters: PubMed 28750076 (cited by Women's Health and Genetics/Laboratory Corporation of America, LabCorp).